The following is an entry in ClinVar:

ClinVar aggregate classification (germline): Uncertain significance (1 of 4 stars; one submission).

Conditions:
Retinoblastoma (RB1). Also called: RETINOBLASTOMA, SOMATIC. Identifiers: Orphanet 790, MedGen C0035335, MeSH D012175, MONDO:0008380, OMIM 180200, HP:0009919. Disease mechanism: loss of function. Inheritance: Both sporadic and heritable forms are tested..

Submission:

Labcorp Genetics (formerly Invitae), Labcorp
Classification: Uncertain significance for Retinoblastoma. Last evaluated: 2025-10-29. Review status: criteria provided, single submitter. Criteria: Invitae Variant Classification Sherloc (09022015). Collection method: clinical testing. Allele origin: germline.
Comment: This sequence change replaces phenylalanine, which is neutral and non-polar, with valine, which is neutral and non-polar, at codon 636 of the RB1 protein (p.Phe636Val). This variant is not present in population databases (gnomAD no frequency). This variant has not been reported in the literature in individuals affected with RB1-related conditions. ClinVar contains an entry for this variant (Variation ID: 3661736). Invitae Evidence Modeling of protein sequence and biophysical properties (such as structural, functional, and spatial information, amino acid conservation, physicochemical variation, residue mobility, and thermodynamic stability) indicates that this missense variant is not expected to disrupt RB1 protein function with a negative predictive value of 80%. In summary, the available evidence is currently insufficient to determine the role of this variant in disease. Therefore, it has been classified as a Variant of Uncertain Significance.

NM_000321.3(RB1):c.1906T>G (p.Phe636Val)

Gene: RB1 (RB transcriptional corepressor 1; plus strand). Cytogenetic location: 13q14.2.
Variant type: single nucleotide variant.
Coding change: c.1906T>G on transcript NM_000321.3 (MANE Select); coding-DNA position 1906, T replaced by G.
Protein change: p.Phe636Val; replaces phenylalanine 636 with valine.
Molecular consequence: missense variant.
Genome position (GRCh38, 1-based): chr13:48,456,295, T>G. VCF-style: chr13-48456295-T-G. GRCh37 (hg19) VCF-style: chr13-49030431-T-G.
Other names: c.1906T>G, p.Phe636Val (NM_001407165.1); short protein forms F636V.
Identifiers: ClinVar variation 3661736 (VCV003661736.2).